The following is an entry in ClinVar:

NM_003718.5(CDK13):c.2980C>T (p.Gln994Ter)

Gene: CDK13 (cyclin dependent kinase 13; plus strand). Cytogenetic location: 7p14.1.
Variant type: single nucleotide variant.
Coding change: c.2980C>T on transcript NM_003718.5 (MANE Select); coding-DNA position 2980, C replaced by T.
Protein change: p.Gln994Ter; replaces glutamine 994 with a stop codon.
Molecular consequence: nonsense.
Genome position (GRCh38, 1-based): chr7:40,078,802, C>T. VCF-style: chr7-40078802-C-T. GRCh37 (hg19) VCF-style: chr7-40118401-C-T.
Other names: c.2980C>T, p.Gln994Ter (NM_031267.4); short protein forms Q994*.
Identifiers: ClinVar variation 3364784 (VCV003364784.2).

ClinVar aggregate classification (germline): Uncertain significance (1 of 4 stars; one submission).

gnomAD v4.1: 1 of 1,536,192 alleles (0.000065%); highest among the groups gnomAD compares: Non-Finnish European, 0.000088%; no homozygotes.

Submission:

GeneDx
Classification: Uncertain significance. Last evaluated: 2025-08-11. Review status: criteria provided, single submitter. Criteria: GeneDx Variant Classification Process June 2021. Collection method: clinical testing. Allele origin: germline.
Comment: Nonsense variant predicted to result in protein truncation or nonsense mediated decay in a gene or region of a gene for which loss of function is not a well-established mechanism of disease; Not observed at significant frequency in large population cohorts (gnomAD); Has not been previously published as pathogenic or benign to our knowledge